The following is an entry in ClinVar:

NM_001768.7(CD8A):c.494G>A (p.Arg165Gln)

Gene: CD8A (CD8 subunit alpha; minus strand). Cytogenetic location: 2p11.2.
Variant type: single nucleotide variant.
Coding change: c.494G>A on transcript NM_001768.7 (MANE Select); coding-DNA position 494, G replaced by A.
Protein change: p.Arg165Gln; replaces arginine 165 with glutamine.
Molecular consequence: missense variant. On other transcripts: non-coding transcript variant (3).
Genome position (GRCh38, 1-based): chr2:86,789,660, C>T on the plus strand (G>A on the coding strand, the complement: CD8A is on the minus strand). VCF-style: chr2-86789660-C-T. GRCh37 (hg19) VCF-style: chr2-87016783-C-T.
Other names: c.494G>A, p.Arg165Gln (NM_001145873.1, NM_001382698.1, NM_171827.4); short protein forms R165Q.
Identifiers: ClinVar variation 3660281 (VCV003660281.2).

ClinVar aggregate classification (germline): Uncertain significance (1 of 4 stars; one submission).

Conditions:
Susceptibility to respiratory infections associated with CD8alpha chain mutation (IMD116). Also called: Cd8 deficiency, familial; IMMUNODEFICIENCY 116. Identifiers: Orphanet 169085, MedGen C1837065, MONDO:0012161, OMIM 608957.

Submission:

Labcorp Genetics (formerly Invitae), Labcorp
Classification: Uncertain significance for Susceptibility to respiratory infections associated with CD8alpha chain mutation. Last evaluated: 2024-07-23. Review status: criteria provided, single submitter. Criteria: Invitae Variant Classification Sherloc (09022015). Collection method: clinical testing. Allele origin: germline.
Comment: This sequence change replaces arginine, which is basic and polar, with glutamine, which is neutral and polar, at codon 165 of the CD8A protein (p.Arg165Gln). This variant is not present in population databases (gnomAD no frequency). This variant has not been reported in the literature in individuals affected with CD8A-related conditions. An algorithm developed to predict the effect of missense changes on protein structure and function outputs the following: PolyPhen-2: "Benign". The glutamine amino acid residue is found in multiple mammalian species, which suggests that this missense change does not adversely affect protein function. In summary, the available evidence is currently insufficient to determine the role of this variant in disease. Therefore, it has been classified as a Variant of Uncertain Significance.